The following is an entry in ClinVar:

ClinVar aggregate classification (germline): Uncertain significance (1 of 4 stars; one submission).

Conditions:
Inborn genetic diseases. Identifiers: MedGen C0950123, MeSH D030342.

gnomAD v4.1: 33 of 1,611,272 alleles (0.002%); highest among the groups gnomAD compares: East Asian, 0.0067%; no homozygotes.

Submission:

Ambry Genetics
Classification: Uncertain significance for Inborn genetic diseases. Last evaluated: 2025-05-05. Review status: criteria provided, single submitter. Criteria: Ambry Variant Classification Scheme 2023. Collection method: clinical testing. Allele origin: germline.
Comment: The p.A219T variant (also known as c.655G>A), located in coding exon 5 of the ASPA gene, results from a G to A substitution at nucleotide position 655. The alanine at codon 219 is replaced by threonine, an amino acid with similar properties. This amino acid position is conserved. In addition, this alteration is predicted to be tolerated by in silico analysis. Based on the available evidence, the clinical significance of this variant remains unclear.

NM_000049.4(ASPA):c.655G>A (p.Ala219Thr)

Genes: ASPA (aspartoacylase; plus strand), SPATA22 (spermatogenesis associated 22; minus strand). Cytogenetic location: 17p13.2.
Variant type: single nucleotide variant.
Coding change: c.655G>A on transcript NM_000049.4 (MANE Select); coding-DNA position 655, G replaced by A.
Protein change: p.Ala219Thr; replaces alanine 219 with threonine.
Molecular consequence: missense variant. On other transcripts: intron variant (2).
Genome position (GRCh38, 1-based): chr17:3,494,370, G>A. VCF-style: chr17-3494370-G-A. GRCh37 (hg19) VCF-style: chr17-3397664-G-A.
Other names: c.655G>A, p.Ala219Thr (NM_001128085.1); c.-74+19042C>T (NM_001321336.2, NM_001321337.2); short protein forms A219T.
Identifiers: ClinVar variation 3953055 (VCV003953055.1).